The following is an entry in ClinVar:

NM_052947.4(ALPK2):c.5353+7T>C

Genes: ALPK2 (alpha kinase 2; minus strand), LOC130062577 (ATAC-STARR-seq lymphoblastoid active region 13389; plus strand). Cytogenetic location: 18q21.31.
Variant type: single nucleotide variant.
Coding change: c.5353+7T>C on transcript NM_052947.4 (MANE Select); 7 bases into the intron after coding-DNA position 5353, T replaced by C.
Molecular consequence: intron variant.
Genome position (GRCh38, 1-based): chr18:58,534,827, A>G on the plus strand (T>C on the coding strand, the complement: ALPK2 is on the minus strand). VCF-style: chr18-58534827-A-G. GRCh37 (hg19) VCF-style: chr18-56202059-A-G.
Identifiers: ClinVar variation 3059546 (VCV003059546.2), dbSNP rs10469211, ClinGen allele CA8976539.

ClinVar aggregate classification (germline): Benign (0 of 4 stars; one submission).

Conditions:
ALPK2-related disorder. Also called: ALPK2-related condition.

Allele frequency attached by ClinVar (database versions not stated): 1000 Genomes Project 0.99401; 1000 Genomes Project 30x 0.99438; TOPMed 0.99580; ESP Exome Variant Server 0.99600; gnomAD 0.99648; ExAC 0.99892; gnomAD exomes 0.99968.

Submission:

PreventionGenetics, part of Exact Sciences
Classification: Benign for ALPK2-related condition. Last evaluated: 2019-10-28. Review status: no assertion criteria provided. Collection method: clinical testing. Allele origin: germline.
Comment: This variant is classified as benign based on ACMG/AMP sequence variant interpretation guidelines (Richards et al. 2015 PMID: 25741868, with internal and published modifications).